The following is an entry in ClinVar:

ClinVar aggregate classification (germline): Uncertain significance (1 of 4 stars; one submission).

Submission:

Labcorp Genetics (formerly Invitae), Labcorp
Classification: Uncertain significance. Last evaluated: 2022-02-22. Review status: criteria provided, single submitter. Criteria: Invitae Variant Classification Sherloc (09022015). Collection method: clinical testing. Allele origin: germline.
Comment: This variant, c.2650_2655del, results in the deletion of 2 amino acid(s) of the BSN protein (p.Glu884_Pro885del), but otherwise preserves the integrity of the reading frame. This variant is present in population databases (rs754228309, gnomAD 0.02%). This variant has not been reported in the literature in individuals affected with BSN-related conditions. Experimental studies and prediction algorithms are not available or were not evaluated, and the functional significance of this variant is currently unknown. In summary, the available evidence is currently insufficient to determine the role of this variant in disease. Therefore, it has been classified as a Variant of Uncertain Significance.

NM_003458.4(BSN):c.2650_2655del (p.Glu884_Pro885del)

Gene: BSN (bassoon presynaptic cytomatrix protein; plus strand). Cytogenetic location: 3p21.31.
Variant type: Deletion.
Coding change: c.2650_2655del on transcript NM_003458.4 (MANE Select); coding-DNA positions 2650 to 2655, 6 bases deleted (GAGCCT; older notation c.2650_2655delGAGCCT).
Protein change: p.Glu884_Pro885del.
Molecular consequence: inframe deletion.
Genome position (GRCh38, 1-based): chr3:49,652,206-49,652,211, GAGCCT deleted; deleting any 6 consecutive bases within chr3:49,652,202-49,652,211 gives the same sequence; the c. name uses the placement nearest the transcript's 3' end. VCF-style (leftmost placement, unchanged base first): chr3-49652201-GGCCTGA-G. GRCh37 (hg19) VCF-style: chr3-49689634-GGCCTGA-G.
Identifiers: ClinVar variation 2102189 (VCV002102189.4), dbSNP rs754228309, ClinGen allele CA2399826.
Genomic context (GRCh38, chr3:49,652,201, plus strand): 5'-CTGCCACCTCCGGGCGTGGCCTGGCCAAACATGGCACCCAGAAAGGTGGCCCCAGACCCA[GGCCTGA>G]GCCTAGCCAAGAACCAGCAGCACTGCCCAAGAGGCGCCTGCCCCACAATGCCACCACGGG-3'